The following is an entry in ClinVar:

ClinVar aggregate classification (germline): Uncertain significance (1 of 4 stars; one submission).

Conditions:
Diamond-Blackfan anemia 8 (DBA8). Also called: RPS7-Related Diamond-Blackfan Anemia. Identifiers: Orphanet 124, MedGen C2675511, MONDO:0012939, OMIM 612563.

Allele frequency attached by ClinVar (database versions not stated): gnomAD exomes 0.00005 and 0.00012; gnomAD 0.00006; ExAC 0.00009; TOPMed 0.00010.

Submission:

Baylor Genetics
Classification: Uncertain significance for Diamond-Blackfan anemia 8. Last evaluated: 2019-04-11. Review status: criteria provided, single submitter. Criteria: ACMG Guidelines, 2015. Collection method: clinical testing. Allele origin: maternal. Affected: yes.
Comment: This variant was determined to be of uncertain significance according to ACMG Guidelines, 2015 [PMID:25741868].

NM_001011.4(RPS7):c.-3G>A

Gene: RPS7 (ribosomal protein S7; plus strand). Cytogenetic location: 2p25.3.
Variant type: single nucleotide variant.
Coding change: c.-3G>A on transcript NM_001011.4 (MANE Select); 3 bases upstream of the start codon, G replaced by A.
Molecular consequence: 5 prime UTR variant.
Genome position (GRCh38, 1-based): chr2:3,575,607, G>A. VCF-style: chr2-3575607-G-A. GRCh37 (hg19) VCF-style: chr2-3623197-G-A.
Identifiers: ClinVar variation 1028444 (VCV001028444.1), dbSNP rs751847851, ClinGen allele CA1516512.